The following is an entry in ClinVar:

NM_001042492.3(NF1):c.3055G>A (p.Val1019Ile)

Gene: NF1 (neurofibromin 1; plus strand). Cytogenetic location: 17q11.2.
Variant type: single nucleotide variant.
Coding change: c.3055G>A on transcript NM_001042492.3 (MANE Select); coding-DNA position 3055, G replaced by A.
Protein change: p.Val1019Ile; replaces valine 1019 with isoleucine.
Molecular consequence: missense variant.
Genome position (GRCh38, 1-based): chr17:31,230,324, G>A. VCF-style: chr17-31230324-G-A. GRCh37 (hg19) VCF-style: chr17-29557342-G-A.
Other names: c.3055G>A, p.Val1019Ile (NM_000267.4); short protein forms V1019I.
Identifiers: ClinVar variation 571610 (VCV000571610.13), dbSNP rs1567849826, ClinGen allele CA398987398.
Genomic context (GRCh38, chr17:31,230,324, plus strand): 5'-GTTCGTGTGCTTGGGAATATGGTCCATGCAATTCAAATAAAAACGAAACTGTGTCAATTA[G>A]TTGAAGTAATGATGGCAAGGAGAGATGACCTCTCATTTTGCCAAGAGATGAAATTTAGGT-3'
Protein context (NP_001035957.1, residues 1009-1029): IQIKTKLCQL[Val1019Ile]EVMMARRDDL

ClinVar aggregate classification (germline): Conflicting classifications of pathogenicity. Review status: criteria provided, conflicting classifications (1 of 4 stars). 4 submissions from 4 submitters: Uncertain significance (3); Likely benign (1). Last evaluated 2024-10-30.

Conditions:
Café-au-lait macules with pulmonary stenosis (WTSN). Also called: PULMONIC STENOSIS WITH CAFE-AU-LAIT SPOTS. Identifiers: MedGen C0553586, MONDO:0008672, OMIM 193520.
Neurofibromatosis, familial spinal (FSNF). Identifiers: Orphanet 636, MedGen C1834235, MONDO:0008078, OMIM 162210. Disease mechanism: loss of function.
Juvenile myelomonocytic leukemia (JMML). Also called: LEUKEMIA, JUVENILE MYELOMONOCYTIC, SOMATIC. Identifiers: Orphanet 86834, MedGen C0349639, MONDO:0011908, OMIM 607785, HP:0012209.
Neurofibromatosis-Noonan syndrome (NFNS). Also called: NEUROFIBROMATOSIS WITH NOONAN PHENOTYPE. Identifiers: Orphanet 638, MedGen C2931482, MONDO:0011035, OMIM 601321. Disease mechanism: loss of function.
Neurofibromatosis, type 1 (NF1). Also called: Peripheral type neurofibromatosis; VON RECKLINGHAUSEN DISEASE; Neurofibromatosis, type I; NEUROFIBROMATOSIS, TYPE I, SOMATIC. Identifiers: Orphanet 636, MedGen C0027831, MONDO:0018975, OMIM 162200. Disease mechanism: loss of function.
Cardiovascular phenotype. Identifiers: MedGen CN230736.
Hereditary cancer-predisposing syndrome. Also called: Hereditary neoplastic syndrome; Neoplastic Syndromes, Hereditary; Hereditary Cancer Syndrome; Tumor predisposition. Identifiers: Orphanet 140162, MedGen C0027672, MeSH D009386, MONDO:0015356.

Submissions (4):

Labcorp Genetics (formerly Invitae), Labcorp
Classification: Uncertain significance for Neurofibromatosis, type 1. Last evaluated: 2024-10-30. Review status: criteria provided, single submitter. Criteria: Invitae Variant Classification Sherloc (09022015). Collection method: clinical testing. Allele origin: germline.
Comment: This sequence change replaces valine, which is neutral and non-polar, with isoleucine, which is neutral and non-polar, at codon 1019 of the NF1 protein (p.Val1019Ile). This variant is not present in population databases (gnomAD no frequency). This variant has not been reported in the literature in individuals affected with NF1-related conditions. ClinVar contains an entry for this variant (Variation ID: 571610). Invitae Evidence Modeling of protein sequence and biophysical properties (such as structural, functional, and spatial information, amino acid conservation, physicochemical variation, residue mobility, and thermodynamic stability) has been performed for this missense variant. However, the output from this modeling did not meet the statistical confidence thresholds required to predict the impact of this variant on NF1 protein function. In summary, the available evidence is currently insufficient to determine the role of this variant in disease. Therefore, it has been classified as a Variant of Uncertain Significance.

Ambry Genetics
Classification: Likely benign for Cardiovascular phenotype; Hereditary cancer-predisposing syndrome. Last evaluated: 2023-02-03. Review status: criteria provided, single submitter. Criteria: Ambry Variant Classification Scheme 2023. Collection method: clinical testing. Allele origin: germline.

Genome-Nilou Lab
Classification: Uncertain significance for Neurofibromatosis, type 1. Last evaluated: 2022-03-15. Review status: criteria provided, single submitter. Criteria: ACMG Guidelines, 2015. Collection method: clinical testing. Allele origin: germline. Affected: no.

Fulgent Genetics
Classification: Uncertain significance for Neurofibromatosis, type 1; Neurofibromatosis, familial spinal; Café-au-lait macules with pulmonary stenosis; Neurofibromatosis-Noonan syndrome; Juvenile myelomonocytic leukemia. Last evaluated: 2021-12-27. Review status: criteria provided, single submitter. Criteria: ACMG Guidelines, 2015. Collection method: clinical testing. Allele origin: unknown.